The following is an entry in ClinVar:

ClinVar aggregate classification (germline): Pathogenic (1 of 4 stars; one submission).

Conditions:
Familial cancer of breast. Also called: BREAST CANCER, FAMILIAL; Hereditary breast cancer; hereditary breast carcinoma. Identifiers: Orphanet 227535, MedGen C0346153, MONDO:0016419, OMIM 114480. Disease mechanism: loss of function.

Submission:

Myriad Genetics, Inc.
Classification: Pathogenic for Familial cancer of breast. Last evaluated: 2024-01-23. Review status: criteria provided, single submitter. Criteria: Myriad Autosomal Dominant, Autosomal Recessive and X-Linked Classification Criteria (2023). Collection method: clinical testing. Allele origin: unknown.
Comment: This variant is considered pathogenic. This variant creates a frameshift predicted to result in premature protein truncation.

NM_000051.4(ATM):c.4066_4072delinsTGTCAGTAACACTAGTTACT (p.Asn1356_Ser1358delinsCysGlnTer)

Gene: ATM (ATM serine/threonine kinase; plus strand). Cytogenetic location: 11q22.3.
Variant type: Indel.
Coding change: c.4066_4072delinsTGTCAGTAACACTAGTTACT on transcript NM_000051.4 (MANE Select); coding-DNA positions 4066 to 4072, AATTCTA replaced by TGTCAGTAACACTAGTTACT.
Protein change: p.Asn1356_Ser1358delinsCysGlnTer.
Molecular consequence: nonsense.
Genome position (GRCh38, 1-based): chr11:108,287,672-108,287,678, AATTCTA replaced by TGTCAGTAACACTAGTTACT. VCF-style: chr11-108287672-AATTCTA-TGTCAGTAACACTAGTTACT. GRCh37 (hg19) VCF-style: chr11-108158399-AATTCTA-TGTCAGTAACACTAGTTACT.
Other names: c.4066_4072delinsTGTCAGTAACACTAGTTACT, p.Asn1356_Ser1358delinsCysGlnTer (NM_001351834.2).
Identifiers: ClinVar variation 3148623 (VCV003148623.1), dbSNP rs2546898502, ClinGen allele CA2825001695.